The following is an entry in ClinVar:

NM_002764.4(PRPS1):c.661G>A (p.Asp221Asn)

Gene: PRPS1 (phosphoribosyl pyrophosphate synthetase 1; plus strand). Cytogenetic location: Xq22.3.
Variant type: single nucleotide variant.
Coding change: c.661G>A on transcript NM_002764.4 (MANE Select); coding-DNA position 661, G replaced by A.
Protein change: p.Asp221Asn; replaces aspartic acid 221 with asparagine.
Molecular consequence: missense variant.
Genome position (GRCh38, 1-based): chrX:107,645,307, G>A. VCF-style: chrX-107645307-G-A. GRCh37 (hg19) VCF-style: chrX-106888537-G-A.
Other names: c.49G>A, p.Asp17Asn (NM_001204402.2); short protein forms D17N, D221N.
Identifiers: ClinVar variation 3654567 (VCV003654567.2).

ClinVar aggregate classification (germline): Uncertain significance (1 of 4 stars; one submission).

Conditions:
Charcot-Marie-Tooth Neuropathy X. Identifiers: MedGen CN118851.

Submission:

Labcorp Genetics (formerly Invitae), Labcorp
Classification: Uncertain significance for Charcot-Marie-Tooth Neuropathy X. Last evaluated: 2024-06-08. Review status: criteria provided, single submitter. Criteria: Invitae Variant Classification Sherloc (09022015). Collection method: clinical testing. Allele origin: germline.
Comment: This sequence change replaces aspartic acid, which is acidic and polar, with asparagine, which is neutral and polar, at codon 221 of the PRPS1 protein (p.Asp221Asn). This variant is not present in population databases (gnomAD no frequency). This variant has not been reported in the literature in individuals affected with PRPS1-related conditions. Advanced modeling of protein sequence and biophysical properties (such as structural, functional, and spatial information, amino acid conservation, physicochemical variation, residue mobility, and thermodynamic stability) has been performed at Invitae for this missense variant, however the output from this modeling did not meet the statistical confidence thresholds required to predict the impact of this variant on PRPS1 protein function. In summary, the available evidence is currently insufficient to determine the role of this variant in disease. Therefore, it has been classified as a Variant of Uncertain Significance.